The following is an entry in ClinVar:

NM_005763.4(AASS):c.472+2T>A

Gene: AASS (aminoadipate-semialdehyde synthase; minus strand). Cytogenetic location: 7q31.32.
Variant type: single nucleotide variant.
Coding change: c.472+2T>A on transcript NM_005763.4 (MANE Select); the canonical splice donor site of the intron after coding-DNA position 472, T replaced by A.
Molecular consequence: splice donor variant.
Genome position (GRCh38, 1-based): chr7:122,126,373, A>T on the plus strand (T>A on the coding strand, the complement: AASS is on the minus strand). VCF-style: chr7-122126373-A-T. GRCh37 (hg19) VCF-style: chr7-121766427-A-T.
Identifiers: ClinVar variation 5007150 (VCV005007150.2).

ClinVar aggregate classification (germline): Likely pathogenic (1 of 4 stars; one submission).

Conditions:
HYPERLYSINEMIA, TYPE I. Also called: LYSINE INTOLERANCE. Identifiers: MedGen C0543533, OMIM 238700.

Submission:

Juno Genomics, Hangzhou Juno Genomics, Inc
Classification: Likely pathogenic for HYPERLYSINEMIA, TYPE I. Review status: criteria provided, single submitter. Criteria: ACMG Guidelines, 2015. Collection method: clinical testing. Allele origin: germline.
Comment: Null variant in a gene where loss of function (LOF) is a known mechanism of disease.;Absent from controls (or at extremely low frequency if recessive) in Genome Aggregation Database.